The following is an entry in ClinVar:

NM_000127.3(EXT1):c.692_694del (p.Asp231del)

Gene: EXT1 (exostosin glycosyltransferase 1; minus strand). Cytogenetic location: 8q24.11.
Variant type: Deletion.
Coding change: c.692_694del on transcript NM_000127.3 (MANE Select); coding-DNA positions 692 to 694, 3 bases deleted (ATG; older notation c.692_694delATG).
Protein change: p.Asp231del; deletes aspartic acid 231.
Molecular consequence: inframe deletion.
Genome position (GRCh38, 1-based): chr8:118,110,353-118,110,355, CAT deleted on the plus strand (ATG on the coding strand, the reverse complement: EXT1 is on the minus strand); deleting any 3 consecutive bases within chr8:118,110,353-118,110,357 gives the same sequence; the c. name uses the placement nearest the transcript's 3' end. VCF-style (leftmost placement, unchanged base first): chr8-118110352-ACAT-A. GRCh37 (hg19) VCF-style: chr8-119122591-ACAT-A.
Other names: short protein forms D231del.
Identifiers: ClinVar variation 855294 (VCV000855294.9), dbSNP rs1817873196, ClinGen allele CA916081526.

ClinVar aggregate classification (germline): Uncertain significance (1 of 4 stars; one submission).

Conditions:
Multiple congenital exostosis (EXT). Also called: Hereditary multiple exostoses; Hereditary multiple exostosis; MULTIPLE CARTILAGINOUS EXOSTOSES; Multiple exostoses; Multiple osteochondromas; Hereditary multiple osteochondromas. Identifiers: Orphanet 321, MedGen C0015306, MONDO:0005508, HP:0002762.

Submission:

Labcorp Genetics (formerly Invitae), Labcorp
Classification: Uncertain significance for Multiple congenital exostosis. Last evaluated: 2023-01-07. Review status: criteria provided, single submitter. Criteria: Invitae Variant Classification Sherloc (09022015). Collection method: clinical testing. Allele origin: germline.
Comment: This variant, c.692_694del, results in the deletion of 1 amino acid(s) of the EXT1 protein (p.Asp231del), but otherwise preserves the integrity of the reading frame. This variant is not present in population databases (gnomAD no frequency). This variant has been observed in individual(s) with multiple exostoses (Invitae). ClinVar contains an entry for this variant (Variation ID: 855294). Experimental studies and prediction algorithms are not available or were not evaluated, and the functional significance of this variant is currently unknown. This variant disrupts the p.Asp231 amino acid residue in EXT1. Other variant(s) that disrupt this residue have been observed in individuals with EXT1-related conditions (PMID: 23439489), which suggests that this may be a clinically significant amino acid residue. In summary, the available evidence is currently insufficient to determine the role of this variant in disease. Therefore, it has been classified as a Variant of Uncertain Significance.

Literature cited by the submitters: PubMed 23439489.